The following is an entry in ClinVar:

NM_001903.5(CTNNA1):c.610_611delinsTC (p.Arg204Ser)

Gene: CTNNA1 (catenin alpha 1; plus strand). Cytogenetic location: 5q31.2.
Variant type: Indel.
Coding change: c.610_611delinsTC on transcript NM_001903.5 (MANE Select); coding-DNA positions 610 to 611, CG replaced by TC.
Protein change: p.Arg204Ser; replaces arginine 204 with serine.
Molecular consequence: missense variant.
Genome position (GRCh38, 1-based): chr5:138,824,551-138,824,552, CG replaced by TC. VCF-style: chr5-138824551-CG-TC. GRCh37 (hg19) VCF-style: chr5-138160240-CG-TC.
Other names: c.610_611delinsTC, p.Arg204Ser (NM_001323982.2, NM_001323983.1, NM_001323984.2 and 3 more transcripts); c.301_302delinsTC, p.Arg101Ser (NM_001290309.3); c.241_242delinsTC, p.Arg81Ser (NM_001290310.3); short protein forms R101S, R81S, R204S.
Identifiers: ClinVar variation 4235651 (VCV004235651.1).

ClinVar aggregate classification (germline): Uncertain significance (1 of 4 stars; one submission).

Conditions:
Hereditary cancer-predisposing syndrome. Also called: Hereditary Cancer Syndrome; Hereditary neoplastic syndrome; Neoplastic Syndromes, Hereditary; Tumor predisposition. Identifiers: Orphanet 140162, MedGen C0027672, MeSH D009386, MONDO:0015356.

Submission:

Ambry Genetics
Classification: Uncertain significance for Hereditary cancer-predisposing syndrome. Last evaluated: 2025-08-28. Review status: criteria provided, single submitter. Criteria: Ambry Variant Classification Scheme 2023. Collection method: clinical testing. Allele origin: germline.
Comment: The c.610_611delCGinsTC variant, located in coding exon 5 of the CTNNA1 gene, results from an in-frame deletion of CG and insertion of TC at nucleotide positions 610 to 611. This results in the substitution of the arginine residue for a serine residue at codon 204, an amino acid with dissimilar properties. This amino acid position is well conserved in available vertebrate species. In addition, the in silico prediction for this variant is inconclusive (Choi Y et al. PLoS ONE. 2012; 7(10):e46688). Based on the available evidence, the clinical significance of this variant remains unclear.